The following is an entry in ClinVar:

NM_001001331.4(ATP2B2):c.910G>T (p.Val304Leu)

Gene: ATP2B2 (ATPase plasma membrane Ca2+ transporting 2; minus strand). Cytogenetic location: 3p25.3.
Variant type: single nucleotide variant.
Coding change: c.910G>T on transcript NM_001001331.4 (MANE Select); coding-DNA position 910, G replaced by T.
Protein change: p.Val304Leu; replaces valine 304 with leucine.
Molecular consequence: missense variant. On other transcripts: intron variant (4).
Genome position (GRCh38, 1-based): chr3:10,386,510, C>A on the plus strand (G>T on the coding strand, the complement: ATP2B2 is on the minus strand). VCF-style: chr3-10386510-C-A. GRCh37 (hg19) VCF-style: chr3-10428194-C-A.
Other names: c.907+1767G>T (NM_001353564.1, NM_001683.5, NM_001330611.3 and 1 more transcripts); short protein forms V304L.
Identifiers: ClinVar variation 3375844 (VCV003375844.1).

ClinVar aggregate classification (germline): Uncertain significance (1 of 4 stars; one submission).

Submission:

GeneDx
Classification: Uncertain significance. Last evaluated: 2024-05-03. Review status: criteria provided, single submitter. Criteria: GeneDx Variant Classification Process June 2021. Collection method: clinical testing. Allele origin: germline. Affected: yes.
Comment: Not observed at significant frequency in large population cohorts (gnomAD); In silico analysis supports a deleterious effect on splicing; Has not been previously published as pathogenic or benign to our knowledge; Reported using an alternate transcript of the gene